The following is an entry in ClinVar:

NM_005189.3(CBX2):c.288+165C>T

Gene: CBX2 (chromobox 2; plus strand). Cytogenetic location: 17q25.3.
Variant type: single nucleotide variant.
Coding change: c.288+165C>T on transcript NM_005189.3 (MANE Select); 165 bases into the intron after coding-DNA position 288, C replaced by T.
Molecular consequence: intron variant. On other transcripts: synonymous variant (1).
Genome position (GRCh38, 1-based): chr17:79,781,966, C>T. VCF-style: chr17-79781966-C-T. GRCh37 (hg19) VCF-style: chr17-77755765-C-T.
Other names: c.453C>T, p.Ser151= (NM_032647.4).
Identifiers: ClinVar variation 4985144 (VCV004985144.1).
Genomic context (GRCh38, chr17:79,781,966, plus strand): 5'-CTGCCAACAGTCTGTCCCTCTACTCGGAAAACAGGAGCCCCCTTTCTTCCTGTCTCTCAG[C>T]TTCTGCTGCCAGGGGCCCCAGCCGGCTGAGAGTTCCTCCCCGCCCCTCCCAGGGGCTTCC-3'

ClinVar aggregate classification (germline): Likely benign (1 of 4 stars; one submission).

Conditions:
CBX2-related disorder. Also called: CBX2-related condition.

Submission:

PreventionGenetics, part of Exact Sciences
Classification: Likely benign for CBX2-related condition. Last evaluated: 2024-10-19. Review status: criteria provided, single submitter. Criteria: ACMG Guidelines, 2015. Collection method: clinical testing. Allele origin: germline.
Comment: This variant is classified as likely benign based on ACMG/AMP sequence variant interpretation guidelines (Richards et al. 2015 PMID: 25741868, with internal and published modifications).